The following is an entry in ClinVar:

NM_001868.4(CPA1):c.595G>A (p.Asp199Asn)

Gene: CPA1 (carboxypeptidase A1; plus strand). Cytogenetic location: 7q32.2.
Variant type: single nucleotide variant.
Coding change: c.595G>A on transcript NM_001868.4 (MANE Select); coding-DNA position 595, G replaced by A.
Protein change: p.Asp199Asn; replaces aspartic acid 199 with asparagine.
Molecular consequence: missense variant.
Genome position (GRCh38, 1-based): chr7:130,383,693, G>A. VCF-style: chr7-130383693-G-A. GRCh37 (hg19) VCF-style: chr7-130023534-G-A.
Other names: short protein forms D199N.
Identifiers: ClinVar variation 2563234 (VCV002563234.2), dbSNP rs2536008655, ClinGen allele CA369282630.
Genomic context (GRCh38, chr7:130,383,693, plus strand): 5'-GCAGATGCCTGGCCCAGCCTGCGCTGCCCCTCTGCTCCTCTAACCCCCCAGATCACTCAA[G>A]ACTACGGGCAGGATGCAGCTTTCACCGCCATTCTCGACACCTTGGACATCTTCCTGGAGA-3'
Protein context (NP_001859.1, residues 189-209): GVWFAKKITQ[Asp199Asn]YGQDAAFTAI

ClinVar aggregate classification (germline): Uncertain significance (1 of 4 stars; one submission).

Conditions:
Hereditary pancreatitis (PCTT). Also called: Hereditary chronic pancreatitis; PRSS1-Related Hereditary Pancreatitis. Identifiers: Orphanet 676, MedGen C0238339, MONDO:0008185, OMIM 167800.

Allele frequency attached by ClinVar (database versions not stated): gnomAD exomes below 0.00001.
gnomAD v4.1: 1 of 1,613,702 alleles (0.000062%); highest among the groups gnomAD compares: South Asian, 0.0011%; no homozygotes.

Submission:

Ambry Genetics
Classification: Uncertain significance for Hereditary pancreatitis. Last evaluated: 2023-06-08. Review status: criteria provided, single submitter. Criteria: Ambry Variant Classification Scheme 2023. Collection method: clinical testing. Allele origin: germline.
Comment: The p.D199N variant (also known as c.595G>A), located in coding exon 6 of the CPA1 gene, results from a G to A substitution at nucleotide position 595. The aspartic acid at codon 199 is replaced by asparagine, an amino acid with highly similar properties. This amino acid position is conserved. In addition, this alteration is predicted to be tolerated by in silico analysis. Since supporting evidence is limited at this time, the clinical significance of this alteration remains unclear.